The following is an entry in ClinVar:

ClinVar aggregate classification (germline): Likely benign. Review status: criteria provided, single submitter (1 of 4 stars). 2 submissions from 2 submitters: Likely benign (1). 1 of the submissions does not count toward it. Last evaluated 2025-06-12.

Conditions:
VDR-related disorder. Also called: VDR-related condition.

Allele frequency attached by ClinVar (database versions not stated): ExAC 0.00007; ESP Exome Variant Server 0.00008; gnomAD 0.00011.
gnomAD v4.1: 196 of 1,614,022 alleles (0.012%); highest among the groups gnomAD compares: East Asian, 0.34%; no homozygotes.

Submissions (2):

Labcorp Genetics (formerly Invitae), Labcorp
Classification: Likely benign. Last evaluated: 2025-06-12. Review status: criteria provided, single submitter. Criteria: Invitae Variant Classification Sherloc (09022015). Collection method: clinical testing. Allele origin: germline.

PreventionGenetics, part of Exact Sciences
Classification: Likely benign for VDR-related condition. Last evaluated: 2019-03-26. Review status: no assertion criteria provided. Collection method: clinical testing. Allele origin: germline. Not counted in ClinVar's aggregate classification.
Comment: This variant is classified as likely benign based on ACMG/AMP sequence variant interpretation guidelines (Richards et al. 2015 PMID: 25741868, with internal and published modifications).

NM_000376.3(VDR):c.846C>T (p.Asp282=)

Gene: VDR (vitamin D receptor; minus strand). Cytogenetic location: 12q13.11.
Variant type: single nucleotide variant.
Coding change: c.846C>T on transcript NM_000376.3 (MANE Select); coding-DNA position 846, C replaced by T.
Protein change: p.Asp282=; no amino-acid change (aspartic acid 282 retained).
Molecular consequence: synonymous variant.
Genome position (GRCh38, 1-based): chr12:47,846,718, G>A on the plus strand (C>T on the coding strand, the complement: VDR is on the minus strand). VCF-style: chr12-47846718-G-A. GRCh37 (hg19) VCF-style: chr12-48240501-G-A.
Other names: c.846C>T, p.Asp282= (NM_001017535.2, NM_001364085.2, NM_001374661.1 and 1 more transcripts); c.996C>T, p.Asp332= (NM_001017536.2); c.846C>T (NM_001017535.1).
Identifiers: ClinVar variation 2201656 (VCV002201656.6), dbSNP rs145153289, ClinGen allele CA6533845.
Genomic context (GRCh38, chr12:47,846,718, plus strand): 5'-TTTGGTCACGTCACTGACGCGGTACTTGTAGTCTTGGTTGCCACAGGTCCAGGACATGTC[G>A]TCCATGGTGAAGGACTCATTGGAGCGCAACATGATGACCTCAATGGCACTTGACTTCAGC-3'
Protein context (NP_000367.1, residues 272-292): MLRSNESFTM[Asp282=]DMSWTCGNQD